The following is an entry in ClinVar:

ClinVar aggregate classification (germline): Uncertain significance (1 of 4 stars; one submission).

Conditions:
Dyskeratosis congenita, autosomal dominant 1 (DKCA1). Also called: Dyskeratosis congenita Scoggins type. Identifiers: Orphanet 1775, MedGen C4551974, MONDO:0007485, OMIM 127550. Inheritance: Variable.

Submission:

Labcorp Genetics (formerly Invitae), Labcorp
Classification: Uncertain significance for Dyskeratosis congenita, autosomal dominant 1. Last evaluated: 2021-07-09. Review status: criteria provided, single submitter. Criteria: Invitae Variant Classification Sherloc (09022015). Collection method: clinical testing. Allele origin: germline.
Comment: In summary, the available evidence is currently insufficient to determine the role of this variant in disease. Therefore, it has been classified as a Variant of Uncertain Significance. This variant is located within the conserved regions 4 and 5 (CR4-CR5) domain of the TERC RNA component, which is required for telomerase activity (PMID: 15082312, 21844345). Functional studies testing the effect of this variant on TERC secondary structure or function have not been reported. This variant has not been reported in the literature in individuals with TERC-related conditions. The frequency data for this variant in the population databases is considered unreliable, as metrics indicate insufficient coverage at this position in the ExAC database. This variant occurs in the TERC gene, which encodes an RNA molecule that does not result in a protein product.

Literature cited by the submitters: PubMed 15082312; PubMed 21844345.

NC_000003.12:g.169764791C>T

Genes: TERC (telomerase RNA component; minus strand), LOC110806306 (telomerase RNA component (TERC) promoter; plus strand). Cytogenetic location: 3q26.2.
Variant type: single nucleotide variant.
Genome position: GRCh38 VCF-style: chr3-169764791-C-T. GRCh37 (hg19) VCF-style: chr3-169482579-C-T.
Identifiers: ClinVar variation 1046696 (VCV001046696.9), dbSNP rs1777960642, ClinGen allele CA436715212.
Genomic context (GRCh38, chr3:169,764,791, plus strand): 5'-GAGACCCGCGGCTGACAGAGCCCAACTCTTCGCGGTGGCAGTGGGTGCCTCCGGAGAAGC[C>T]CCGGGCCGACCGCGGCCTCCAGGCGGGGTTCGGGGGCTGGGCAGGCGACCCGCCGCAGGT-3'